The following is an entry in ClinVar:

ClinVar aggregate classification (germline): Uncertain significance (1 of 4 stars; one submission).

Submission:

Labcorp Genetics (formerly Invitae), Labcorp
Classification: Uncertain significance. Last evaluated: 2023-08-16. Review status: criteria provided, single submitter. Criteria: Invitae Variant Classification Sherloc (09022015). Collection method: clinical testing. Allele origin: germline.
Comment: In summary, the available evidence is currently insufficient to determine the role of this variant in disease. Therefore, it has been classified as a Variant of Uncertain Significance. Experimental studies and prediction algorithms are not available or were not evaluated, and the functional significance of this variant is currently unknown. This variant has not been reported in the literature in individuals affected with MSH3-related conditions. This variant is not present in population databases (gnomAD no frequency). This variant, c.301_303del, results in the deletion of 1 amino acid(s) of the MSH3 protein (p.Val101del), but otherwise preserves the integrity of the reading frame.

NM_002439.5(MSH3):c.301_303del (p.Val101del)

Gene: MSH3 (mutS homolog 3; plus strand). Cytogenetic location: 5q14.1.
Variant type: Deletion.
Coding change: c.301_303del on transcript NM_002439.5 (MANE Select); coding-DNA positions 301 to 303, 3 bases deleted (GTA; older notation c.301_303delGTA).
Protein change: p.Val101del; deletes valine 101.
Molecular consequence: inframe deletion.
Genome position (GRCh38, 1-based): chr5:80,656,474-80,656,476, GTA deleted; deleting any 3 consecutive bases within chr5:80,656,473-80,656,476 gives the same sequence; the c. name uses the placement nearest the transcript's 3' end. VCF-style (leftmost placement, unchanged base first): chr5-80656472-AAGT-A. GRCh37 (hg19) VCF-style: chr5-79952291-AAGT-A.
Other names: short protein forms V101del.
Identifiers: ClinVar variation 2752643 (VCV002752643.3), dbSNP rs2546712217, ClinGen allele CA2697547238.